The following is an entry in ClinVar:

ClinVar aggregate classification (germline): Uncertain significance (1 of 4 stars; one submission).

Allele frequency attached by ClinVar (database versions not stated): gnomAD 0.00001; TOPMed 0.00002; gnomAD exomes 0.00003; ExAC 0.00004; 1000 Genomes Project 0.00020.
gnomAD v4.1: 19 of 1,603,292 alleles (0.0012%); highest among the groups gnomAD compares: East Asian, 0.04%; no homozygotes.

Submission:

Labcorp Genetics (formerly Invitae), Labcorp
Classification: Uncertain significance. Last evaluated: 2024-05-06. Review status: criteria provided, single submitter. Criteria: Invitae Variant Classification Sherloc (09022015). Collection method: clinical testing. Allele origin: germline.
Comment: This sequence change replaces isoleucine, which is neutral and non-polar, with valine, which is neutral and non-polar, at codon 429 of the MPDZ protein (p.Ile429Val). This variant is present in population databases (rs550549466, gnomAD 0.06%). This variant has not been reported in the literature in individuals affected with MPDZ-related conditions. An algorithm developed to predict the effect of missense changes on protein structure and function (PolyPhen-2) suggests that this variant is likely to be tolerated. In summary, the available evidence is currently insufficient to determine the role of this variant in disease. Therefore, it has been classified as a Variant of Uncertain Significance.

NM_001378778.1(MPDZ):c.1285A>G (p.Ile429Val)

Gene: MPDZ (multiple PDZ domain crumbs cell polarity complex component; minus strand). Cytogenetic location: 9p23.
Variant type: single nucleotide variant.
Coding change: c.1285A>G on transcript NM_001378778.1 (MANE Select); coding-DNA position 1285, A replaced by G.
Protein change: p.Ile429Val; replaces isoleucine 429 with valine.
Molecular consequence: missense variant.
Genome position (GRCh38, 1-based): chr9:13,216,779, T>C on the plus strand (A>G on the coding strand, the complement: MPDZ is on the minus strand). VCF-style: chr9-13216779-T-C. GRCh37 (hg19) VCF-style: chr9-13216778-T-C.
Other names: c.1285A>G, p.Ile429Val (NM_001375420.1, NM_001375421.1, NM_001375422.1 and 14 more transcripts); short protein forms I429V.
Identifiers: ClinVar variation 2969845 (VCV002969845.3), dbSNP rs550549466, ClinGen allele CA4987842.
Genomic context (GRCh38, chr9:13,216,779, plus strand): 5'-AATACAATTCTCAACCATGAAAATTAACAAAGCTATTGTTAAATGTGTAACTTACTGCTA[T>C]AATTTGGTCTCCAATTTGGATTCTTCCATCATGCTCAACGGCACTGCTTTTTGTAATGCT-3'
Protein context (NP_001365707.1, residues 419-439): DGRIQIGDQI[Ile429Val]AVDGTNLQGF